The following is an entry in ClinVar:

NM_001365308.1(BMPER):c.932G>C (p.Gly311Ala)

Gene: BMPER (BMP binding endothelial regulator; plus strand). Cytogenetic location: 7p14.3.
Variant type: single nucleotide variant.
Coding change: c.932G>C on transcript NM_001365308.1 (MANE Select); coding-DNA position 932, G replaced by C.
Protein change: p.Gly311Ala; replaces glycine 311 with alanine.
Molecular consequence: missense variant.
Genome position (GRCh38, 1-based): chr7:34,058,063, G>C. VCF-style: chr7-34058063-G-C. GRCh37 (hg19) VCF-style: chr7-34097675-G-C.
Other names: c.932G>C, p.Gly311Ala (NM_133468.5); short protein forms G311A.
Identifiers: ClinVar variation 1399826 (VCV001399826.5), dbSNP rs779852774, ClinGen allele CA4215234.

ClinVar aggregate classification (germline): Uncertain significance. Review status: criteria provided, multiple submitters, no conflicts (2 of 4 stars). 2 submissions from 2 submitters: Uncertain significance (2). Last evaluated 2023-11-01.

Allele frequency attached by ClinVar (database versions not stated): ExAC 0.00001; gnomAD exomes 0.00001; TOPMed 0.00002; gnomAD 0.00003 and 0.00004.
gnomAD v4.1: 23 of 1,613,874 alleles (0.0014%); highest among the groups gnomAD compares: Non-Finnish European, 0.0017%; no homozygotes.

Submissions (2):

Women's Health and Genetics/Laboratory Corporation of America, LabCorp
Classification: Uncertain significance. Last evaluated: 2023-11-01. Review status: criteria provided, single submitter. Criteria: LabCorp Variant Classification Summary - May 2015. Collection method: clinical testing. Allele origin: germline.
Comment: Variant summary: BMPER c.932G>C (p.Gly311Ala) results in a non-conservative amino acid change located in the VWFC domain (IPr001007) of the encoded protein sequence. Five of five in-silico tools predict a damaging effect of the variant on protein function. The variant allele was found at a frequency of 8e-06 in 251270 control chromosomes. The available data on variant occurrences in the general population are insufficient to allow any conclusion about variant significance. To our knowledge, no occurrence of c.932G>C in individuals affected with Diaphanospondylodysostosis and no experimental evidence demonstrating its impact on protein function have been reported. One submitter has cited clinical-significance assessments for this variant to ClinVar after 2014 and has classified the variant as uncertain significance. Based on the evidence outlined above, the variant was classified as uncertain significance.

Labcorp Genetics (formerly Invitae), Labcorp
Classification: Uncertain significance. Last evaluated: 2022-07-05. Review status: criteria provided, single submitter. Criteria: Invitae Variant Classification Sherloc (09022015). Collection method: clinical testing. Allele origin: germline.
Comment: In summary, the available evidence is currently insufficient to determine the role of this variant in disease. Therefore, it has been classified as a Variant of Uncertain Significance. Algorithms developed to predict the effect of missense changes on protein structure and function are either unavailable or do not agree on the potential impact of this missense change (SIFT: "Deleterious"; PolyPhen-2: "Probably Damaging"; Align-GVGD: "Class C0"). ClinVar contains an entry for this variant (Variation ID: 1399826). This variant has not been reported in the literature in individuals affected with BMPER-related conditions. This variant is present in population databases (rs779852774, gnomAD 0.002%). This sequence change replaces glycine, which is neutral and non-polar, with alanine, which is neutral and non-polar, at codon 311 of the BMPER protein (p.Gly311Ala).